The following is an entry in ClinVar:

NM_001385682.1(MAP4):c.1156A>G (p.Ile386Val)

Gene: MAP4 (microtubule associated protein 4; minus strand). Cytogenetic location: 3p21.31.
Variant type: single nucleotide variant.
Coding change: c.1156A>G on transcript NM_001385682.1 (MANE Select); coding-DNA position 1156, A replaced by G.
Protein change: p.Ile386Val; replaces isoleucine 386 with valine.
Molecular consequence: missense variant. On other transcripts: intron variant (12).
Genome position (GRCh38, 1-based): chr3:47,916,671, T>C on the plus strand (A>G on the coding strand, the complement: MAP4 is on the minus strand). VCF-style: chr3-47916671-T-C. GRCh37 (hg19) VCF-style: chr3-47958161-T-C.
Other names: c.1156A>G, p.Ile386Val (NM_001134364.2, NM_001384676.1, NM_001384677.1 and 41 more transcripts); c.1033A>G, p.Ile345Val (NM_001384675.1, NM_001384681.1, NM_001384707.1 and 14 more transcripts); c.1192A>G, p.Ile398Val (NM_001384678.1, NM_001384738.1, NM_001384745.1 and 4 more transcripts); c.850A>G, p.Ile284Val (NM_001384680.1); c.1087A>G, p.Ile363Val (NM_001384730.1, NM_001384777.1, NM_001384780.1 and 10 more transcripts); c.1207A>G, p.Ile403Val (NM_001384731.1, NM_001384736.1, NM_001384796.1 and 9 more transcripts); c.1084A>G, p.Ile362Val (NM_001384744.1, NM_001384797.1, NM_001384789.1 and 2 more transcripts); c.964A>G, p.Ile322Val (NM_001384746.1, NM_001384753.1, NM_001384757.1 and 2 more transcripts); and 15 more; short protein forms I238V, I279V, I284V, I307V, I322V, I345V, I348V, I356V.
Identifiers: ClinVar variation 3035104 (VCV003035104.2), dbSNP rs142423472, ClinGen allele CA2371504.

ClinVar aggregate classification (germline): Benign (0 of 4 stars; one submission).

Conditions:
MAP4-related disorder. Also called: MAP4-related condition.

Allele frequency attached by ClinVar (database versions not stated): gnomAD exomes 0.00048; ExAC 0.00076; ESP Exome Variant Server 0.00038; TOPMed 0.00053; gnomAD 0.00052.
gnomAD v4.1: 850 of 1,614,072 alleles (0.053%); highest among the groups gnomAD compares: Middle Eastern, 0.12%; 8 homozygotes.

Submission:

PreventionGenetics, part of Exact Sciences
Classification: Benign for MAP4-related condition. Last evaluated: 2019-11-12. Review status: no assertion criteria provided. Collection method: clinical testing. Allele origin: germline.
Comment: This variant is classified as benign based on ACMG/AMP sequence variant interpretation guidelines (Richards et al. 2015 PMID: 25741868, with internal and published modifications).